The following is an entry in ClinVar:

NM_001081.4(CUBN):c.8177C>T (p.Thr2726Ile)

Gene: CUBN (cubilin; minus strand). Cytogenetic location: 10p13.
Variant type: single nucleotide variant.
Coding change: c.8177C>T on transcript NM_001081.4 (MANE Select); coding-DNA position 8177, C replaced by T.
Protein change: p.Thr2726Ile; replaces threonine 2726 with isoleucine.
Molecular consequence: missense variant.
Genome position (GRCh38, 1-based): chr10:16,901,345, G>A on the plus strand (C>T on the coding strand, the complement: CUBN is on the minus strand). VCF-style: chr10-16901345-G-A. GRCh37 (hg19) VCF-style: chr10-16943344-G-A.
Other names: short protein forms T2726I.
Identifiers: ClinVar variation 2882741 (VCV002882741.3), dbSNP rs1368580646, ClinGen allele CA376141471.

ClinVar aggregate classification (germline): Uncertain significance (1 of 4 stars; one submission).

Conditions:
Imerslund-Grasbeck syndrome. Also called: Imerslund-Gräsbeck syndrome; PERNICIOUS ANEMIA, JUVENILE, DUE TO SELECTIVE INTESTINAL MALABSORPTION OF VITAMIN B12, WITH PROTEINURIA; Megaloblastic anemia due to inborn errors of metabolism; ENTEROCYTE COBALAMIN MALABSORPTION; ENTEROCYTE INTRINSIC FACTOR RECEPTOR, DEFECT OF. Identifiers: Orphanet 35858, MedGen C4551825, MONDO:0009853.

Allele frequency attached by ClinVar (database versions not stated): gnomAD 0.00001; TOPMed 0.00003.
gnomAD v4.1: 1 of 1,614,044 alleles (0.000062%); highest among the groups gnomAD compares: Admixed American, 0.0017%; no homozygotes.

Submission:

Labcorp Genetics (formerly Invitae), Labcorp
Classification: Uncertain significance for Imerslund-Grasbeck syndrome. Last evaluated: 2023-01-19. Review status: criteria provided, single submitter. Criteria: Invitae Variant Classification Sherloc (09022015). Collection method: clinical testing. Allele origin: germline.
Comment: This sequence change replaces threonine, which is neutral and polar, with isoleucine, which is neutral and non-polar, at codon 2726 of the CUBN protein (p.Thr2726Ile). This variant is not present in population databases (gnomAD no frequency). This variant has not been reported in the literature in individuals affected with CUBN-related conditions. Advanced modeling of protein sequence and biophysical properties (such as structural, functional, and spatial information, amino acid conservation, physicochemical variation, residue mobility, and thermodynamic stability) performed at Invitae indicates that this missense variant is not expected to disrupt CUBN protein function. In summary, the available evidence is currently insufficient to determine the role of this variant in disease. Therefore, it has been classified as a Variant of Uncertain Significance.